The following is an entry in ClinVar:

ClinVar aggregate classification (germline): Benign. Review status: criteria provided, multiple submitters, no conflicts (2 of 4 stars). 3 submissions from 3 submitters: Benign (2). 1 of the submissions does not count toward it. Last evaluated 2019-12-31.

Conditions:
ASH1L-related disorder. Also called: ASH1L-related condition.

Allele frequency attached by ClinVar (database versions not stated): gnomAD exomes 0.00099 and 0.00270; ExAC 0.00338; gnomAD 0.01081 and 0.01184; 1000 Genomes Project 0.01118; 1000 Genomes Project 30x 0.01140; TOPMed 0.01242; ESP Exome Variant Server 0.01307.
gnomAD v4.1: 3,173 of 1,613,844 alleles (0.2%); highest among the groups gnomAD compares: African/African-American, 3.8%; 66 homozygotes.

Submissions (3):

Labcorp Genetics (formerly Invitae), Labcorp
Classification: Benign. Last evaluated: 2019-12-31. Review status: criteria provided, single submitter. Criteria: Invitae Variant Classification Sherloc (09022015). Collection method: clinical testing. Allele origin: germline.

Breakthrough Genomics
Classification: Benign. Review status: criteria provided, single submitter. Criteria: ACMG Guidelines, 2015. Collection method: not provided. Allele origin: germline. Inheritance: Autosomal dominant inheritance. Affected: yes.

PreventionGenetics, part of Exact Sciences
Classification: Benign for ASH1L-related condition. Last evaluated: 2022-09-09. Review status: no assertion criteria provided. Collection method: clinical testing. Allele origin: germline. Not counted in ClinVar's aggregate classification.
Comment: This variant is classified as benign based on ACMG/AMP sequence variant interpretation guidelines (Richards et al. 2015 PMID: 25741868, with internal and published modifications).

NM_018489.3(ASH1L):c.347T>C (p.Ile116Thr)

Gene: ASH1L (ASH1 like histone lysine methyltransferase; minus strand). Cytogenetic location: 1q22.
Variant type: single nucleotide variant.
Coding change: c.347T>C on transcript NM_018489.3 (MANE Select); coding-DNA position 347, T replaced by C.
Protein change: p.Ile116Thr; replaces isoleucine 116 with threonine.
Molecular consequence: missense variant.
Genome position (GRCh38, 1-based): chr1:155,521,173, A>G on the plus strand (T>C on the coding strand, the complement: ASH1L is on the minus strand). VCF-style: chr1-155521173-A-G. GRCh37 (hg19) VCF-style: chr1-155490964-A-G.
Other names: c.347T>C, p.Ile116Thr (NM_001366177.2); short protein forms I116T.
Identifiers: ClinVar variation 711291 (VCV000711291.7), dbSNP rs111605066, ClinGen allele CA1147502.
Genomic context (GRCh38, chr1:155,521,173, plus strand): 5'-CAGTGTTCATTCTTTTCATCCGTCATCTTTCCACTTTTAAGTGCTTTCCTTGGGTGCTTA[A>G]TAGTTGTTTTTATGGCAGGTCGACATACATAGTTCTCCAAGTTCTTTGGAGGTTTTTTAG-3'
Protein context (NP_060959.2, residues 106-126): YVCRPAIKTT[Ile116Thr]KHPRKALKSG